The following is an entry in ClinVar:

ClinVar aggregate classification (germline): Uncertain significance (1 of 4 stars; one submission).

Conditions:
Atypical hemolytic-uremic syndrome. Identifiers: Orphanet 2134, MedGen C2931788, MONDO:0016244.

Submission:

Genomenon, Inc
Classification: Uncertain significance for Atypical hemolytic-uremic syndrome. Last evaluated: 2025-09-30. Review status: criteria provided, single submitter. Criteria: Genomenon Sequence Variant Interpretation Standards. Collection method: curation. Allele origin: germline. Affected: yes.
Comment: C3 p.Val1104Leu (c.3310G>C) is a missense variant that changes the amino acid at residue 1104 from Valine to Leucine. This variant has been observed in at least one proband affected with atypical hemolytic-uremic syndrome (PMID:25608561). It is absent or not present at a significant frequency in gnomAD. In silico models agree that this variant is not damaging. In conclusion, we classify C3 p.Val1104Leu (c.3310G>C) as a variant of unknown significance.

Literature cited by the submitters: PubMed 25608561.

NM_000064.4(C3):c.3310G>C (p.Val1104Leu)

Gene: C3 (complement C3; minus strand). Cytogenetic location: 19p13.3.
Variant type: single nucleotide variant.
Coding change: c.3310G>C on transcript NM_000064.4 (MANE Select); coding-DNA position 3310, G replaced by C.
Protein change: p.Val1104Leu; replaces valine 1104 with leucine.
Molecular consequence: missense variant.
Genome position (GRCh38, 1-based): chr19:6,693,004, C>G on the plus strand (G>C on the coding strand, the complement: C3 is on the minus strand). VCF-style: chr19-6693004-C-G. GRCh37 (hg19) VCF-style: chr19-6693015-C-G.
Other names: short protein forms V1104L.
Identifiers: ClinVar variation 4280198 (VCV004280198.1).